The following is an entry in ClinVar:

ClinVar aggregate classification (germline): Uncertain significance (1 of 4 stars; one submission).

Submission:

GeneDx
Classification: Uncertain significance. Last evaluated: 2023-10-25. Review status: criteria provided, single submitter. Criteria: GeneDx Variant Classification Process June 2021. Collection method: clinical testing. Allele origin: germline. Affected: yes.
Comment: Not observed at significant frequency in large population cohorts (gnomAD); In silico analysis supports that this missense variant has a deleterious effect on protein structure/function; Has not been previously published as pathogenic or benign to our knowledge.

NM_001379029.1(CERT1):c.1777G>C (p.Val593Leu)

Gene: CERT1 (ceramide transporter 1; minus strand). Cytogenetic location: 5q13.3.
Variant type: single nucleotide variant.
Coding change: c.1777G>C on transcript NM_001379029.1 (MANE Select); coding-DNA position 1777, G replaced by C.
Protein change: p.Val593Leu; replaces valine 593 with leucine.
Molecular consequence: missense variant. On other transcripts: intron variant (1).
Genome position (GRCh38, 1-based): chr5:75,379,444, C>G on the plus strand (G>C on the coding strand, the complement: CERT1 is on the minus strand). VCF-style: chr5-75379444-C-G. GRCh37 (hg19) VCF-style: chr5-74675269-C-G.
Other names: c.2161G>C, p.Val721Leu (NM_001130105.1); c.1777G>C, p.Val593Leu (NM_001379002.1, NM_005713.3); c.1699G>C, p.Val567Leu (NM_001379003.1, NM_031361.3); c.1669+1628G>C (NM_001379004.1); short protein forms V567L, V593L, V721L.
Identifiers: ClinVar variation 3363419 (VCV003363419.1).
Genomic context (GRCh38, chr5:75,379,444, plus strand): 5'-CGTAAGAAGTAAAACGTTTTAGAAATTTAGGATACTCTCGCTTTGCCACTGCCCTTAACA[C>G]TGAGGCTGGTGCCCATCCTCCAGGGTTCACTGCAAGATAAAGGAAAATTAAAATGTATTA-3'
Protein context (NP_001365958.1, residues 583-603): VNPGGWAPAS[Val593Leu]LRAVAKREYP